The following is an entry in ClinVar:

NM_152419.3(HGSNAT):c.721C>T (p.Arg241Cys)

Gene: HGSNAT (heparan-alpha-glucosaminide N-acetyltransferase; plus strand). Cytogenetic location: 8p11.21.
Variant type: single nucleotide variant.
Coding change: c.721C>T on transcript NM_152419.3 (MANE Select); coding-DNA position 721, C replaced by T.
Protein change: p.Arg241Cys; replaces arginine 241 with cysteine.
Molecular consequence: missense variant. On other transcripts: 5 prime UTR variant (1).
Genome position (GRCh38, 1-based): chr8:43,170,672, C>T. VCF-style: chr8-43170672-C-T. GRCh37 (hg19) VCF-style: chr8-43025815-C-T.
Other names: c.721C>T, p.Arg241Cys (NM_001363227.2, NM_001363228.2); c.-113C>T (NM_001363229.2); short protein forms R241C.
Identifiers: ClinVar variation 1445044 (VCV001445044.7), dbSNP rs564435701, ClinGen allele CA4736595.

ClinVar aggregate classification (germline): Uncertain significance. Review status: criteria provided, multiple submitters, no conflicts (2 of 4 stars). 4 submissions from 4 submitters: Uncertain significance (4). Last evaluated 2024-11-14.

Conditions:
Retinal dystrophy. Also called: Inherited retinal dystrophy. Identifiers: Orphanet 71862, MedGen C0854723, MeSH D058499, MONDO:0019118, HP:0000556.
Mucopolysaccharidosis, MPS-III-C (MPS3C). Also called: SANFILIPPO SYNDROME C; MPS III C; MPS IIIC (Sanfilippo Syndrome Type C); MUCOPOLYSACCHARIDOSIS, TYPE IIIC; Mucopolysaccharidosis type IIIC (Sanfilippo C); mucopolysaccharidosis type 3C. Identifiers: Orphanet 581, Orphanet 79271, MedGen C0086649, MONDO:0009657, OMIM 252930.
Retinitis pigmentosa 73 (RP73). Identifiers: Orphanet 791, MedGen C4225287, MONDO:0014687, OMIM 616544.

Allele frequency attached by ClinVar (database versions not stated): gnomAD exomes 0.00008 and 0.00011; gnomAD 0.00007 and 0.00006; 1000 Genomes Project 30x 0.00016; ExAC 0.00017; TOPMed 0.00008; 1000 Genomes Project 0.00020.

Submissions (4):

Labcorp Genetics (formerly Invitae), Labcorp
Classification: Uncertain significance for Retinitis pigmentosa 73; Mucopolysaccharidosis, MPS-III-C. Last evaluated: 2024-11-14. Review status: criteria provided, single submitter. Criteria: Invitae Variant Classification Sherloc (09022015). Collection method: clinical testing. Allele origin: germline.
Comment: This sequence change replaces arginine, which is basic and polar, with cysteine, which is neutral and slightly polar, at codon 241 of the HGSNAT protein (p.Arg241Cys). This variant is present in population databases (rs564435701, gnomAD 0.02%). This variant has not been reported in the literature in individuals affected with HGSNAT-related conditions. ClinVar contains an entry for this variant (Variation ID: 1445044). Invitae Evidence Modeling of protein sequence and biophysical properties (such as structural, functional, and spatial information, amino acid conservation, physicochemical variation, residue mobility, and thermodynamic stability) has been performed for this missense variant. However, the output from this modeling did not meet the statistical confidence thresholds required to predict the impact of this variant on HGSNAT protein function. In summary, the available evidence is currently insufficient to determine the role of this variant in disease. Therefore, it has been classified as a Variant of Uncertain Significance.

Blueprint Genetics
Classification: Uncertain significance. Last evaluated: 2024-11-11. Review status: criteria provided, single submitter. Criteria: ACMG Guidelines, 2015. Collection method: clinical testing. Allele origin: germline.

Dept Of Ophthalmology, Nagoya University
Classification: Uncertain significance for Retinal dystrophy. Last evaluated: 2023-10-01. Review status: criteria provided, single submitter. Criteria: Submitter's publication. Collection method: research. Allele origin: germline. Affected: yes.

Department of Pathology and Laboratory Medicine, Sinai Health System
Classification: Uncertain significance for Mucopolysaccharidosis, MPS-III-C; Retinitis pigmentosa 73. Last evaluated: 2021-10-27. Review status: criteria provided, single submitter. Criteria: ACMG Guidelines, 2015. Collection method: research. Allele origin: germline.